The following is an entry in ClinVar:

NM_000193.4(SHH):c.502G>A (p.Ala168Thr)

Gene: SHH (sonic hedgehog signaling molecule; minus strand). Cytogenetic location: 7q36.3.
Variant type: single nucleotide variant.
Coding change: c.502G>A on transcript NM_000193.4 (MANE Select); coding-DNA position 502, G replaced by A.
Protein change: p.Ala168Thr; replaces alanine 168 with threonine.
Molecular consequence: missense variant. On other transcripts: non-coding transcript variant (2).
Genome position (GRCh38, 1-based): chr7:155,806,356, C>T on the plus strand (G>A on the coding strand, the complement: SHH is on the minus strand). VCF-style: chr7-155806356-C-T. GRCh37 (hg19) VCF-style: chr7-155599050-C-T.
Other names: c.241G>A, p.Ala81Thr (NM_001310462.2); short protein forms A168T, A81T.
Identifiers: ClinVar variation 3360076 (VCV003360076.1).

ClinVar aggregate classification (germline): Uncertain significance (1 of 4 stars; one submission).

Submission:

GeneDx
Classification: Uncertain significance. Last evaluated: 2023-06-16. Review status: criteria provided, single submitter. Criteria: GeneDx Variant Classification Process June 2021. Collection method: clinical testing. Allele origin: germline. Affected: yes.
Comment: Not observed at significant frequency in large population cohorts (gnomAD); In silico analysis supports that this missense variant has a deleterious effect on protein structure/function; Has not been previously published as pathogenic or benign to our knowledge